The following is an entry in ClinVar:

ClinVar aggregate classification (germline): Pathogenic (1 of 4 stars; one submission).

Conditions:
Multiple congenital exostosis (EXT). Also called: MULTIPLE CARTILAGINOUS EXOSTOSES; Multiple exostoses; Hereditary multiple exostoses; Hereditary multiple exostosis; Multiple osteochondromas; Hereditary multiple osteochondromas. Identifiers: Orphanet 321, MedGen C0015306, MONDO:0005508, HP:0002762.

Submission:

Labcorp Genetics (formerly Invitae), Labcorp
Classification: Pathogenic for Multiple congenital exostosis. Last evaluated: 2019-09-24. Review status: criteria provided, single submitter. Criteria: Invitae Variant Classification Sherloc (09022015). Collection method: clinical testing. Allele origin: germline.
Comment: For these reasons, this variant has been classified as Pathogenic. Loss-of-function variants in EXT1 are known to be pathogenic (PMID: 10679937, 11391482, 19810120). This variant has been observed in an individual affected with multiple osteochondromas (PMID: 24532482). This variant is not present in population databases (ExAC no frequency). This sequence change creates a premature translational stop signal (p.Ser233Leufs*19) in the EXT1 gene. It is expected to result in an absent or disrupted protein product.

Literature cited by the submitters: PubMed 10679937; PubMed 11391482; PubMed 19810120; PubMed 24532482.

NM_000127.3(EXT1):c.698del (p.Ser233fs)

Gene: EXT1 (exostosin glycosyltransferase 1; minus strand). Cytogenetic location: 8q24.11.
Variant type: Deletion.
Coding change: c.698del on transcript NM_000127.3 (MANE Select); coding-DNA position 698, one base deleted (C; older notation c.698delC).
Protein change: p.Ser233fs; shifts the reading frame from serine 233.
Molecular consequence: frameshift variant.
Genome position (GRCh38, 1-based): chr8:118,110,349, G deleted on the plus strand (C on the coding strand, the reverse complement: EXT1 is on the minus strand). VCF-style (leftmost placement, unchanged base first): chr8-118110348-AG-A. GRCh37 (hg19) VCF-style: chr8-119122587-AG-A.
Other names: short protein forms S233fs.
Identifiers: ClinVar variation 951327 (VCV000951327.9), dbSNP rs1817872999, ClinGen allele CA1139660744.